The following is an entry in ClinVar:

ClinVar aggregate classification (germline): Conflicting classifications of pathogenicity. Review status: criteria provided, conflicting classifications (1 of 4 stars). 6 submissions from 6 submitters: Uncertain significance (5); Benign (1). Last evaluated 2025-10-09.

Conditions:
Hereditary cancer-predisposing syndrome. Also called: Neoplastic Syndromes, Hereditary; Hereditary Cancer Syndrome; Tumor predisposition; Hereditary neoplastic syndrome. Identifiers: Orphanet 140162, MedGen C0027672, MeSH D009386, MONDO:0015356.
Pheochromocytoma. Also called: MAX-Related Hereditary Paraganglioma-Pheochromocytoma Syndrome. Identifiers: Orphanet 29072, MedGen C0031511, MONDO:0008233, OMIM 171300, HP:0002666.
Familial medullary thyroid carcinoma (MTC). Also called: Thyroid cancer, familial medullary; MTC, familial; Familial Medullary Thyroid Carcinoma (FMTC). Identifiers: Orphanet 653, Orphanet 99361, MedGen C1833921, MONDO:0007958, OMIM 155240.
Multiple endocrine neoplasia type 2B. Also called: Multiple endocrine neoplasia, type 3; MULTIPLE ENDOCRINE NEOPLASIA, TYPE IIB; MUCOSAL NEUROMA SYNDROME; MEN 2B; Multiple Endocrine Neoplasia Type 2B (MEN2B); MEN IIB. Identifiers: Orphanet 247709, Orphanet 653, MedGen C0025269, MeSH D018814, MONDO:0008082, OMIM 162300.
Multiple endocrine neoplasia type 2A. Also called: MULTIPLE ENDOCRINE NEOPLASIA, TYPE IIA; PTC SYNDROME; SIPPLE SYNDROME; MEN 2A; MEN-2A syndrome; Pheochromocytoma and amyloid producing medullary thyroid carcinoma. Identifiers: Orphanet 247698, Orphanet 653, MedGen C0025268, MeSH D018813, MONDO:0008234, OMIM 171400.
Hirschsprung disease, susceptibility to, 1 (HSCR1). Also called: RET-Related Hirschsprung Disease. Identifiers: Orphanet 388, MedGen C3888239, MONDO:0007723, OMIM 142623.
Multiple endocrine neoplasia, type 2 (MEN2). Identifiers: Orphanet 653, MedGen C4048306, MONDO:0019003. Disease mechanism: gain of function.

Allele frequency attached by ClinVar (database versions not stated): TOPMed below 0.00001; gnomAD exomes 0.00001.
gnomAD v4.1: 3 of 1,613,904 alleles (0.00019%); highest among the groups gnomAD compares: Admixed American, 0.005%; no homozygotes.

Submissions (6):

Labcorp Genetics (formerly Invitae), Labcorp
Classification: Uncertain significance for Multiple endocrine neoplasia, type 2. Last evaluated: 2025-10-09. Review status: criteria provided, single submitter. Criteria: Invitae Variant Classification Sherloc (09022015). Collection method: clinical testing. Allele origin: germline.
Comment: This sequence change replaces aspartic acid, which is acidic and polar, with asparagine, which is neutral and polar, at codon 380 of the RET protein (p.Asp380Asn). This variant is present in population databases (no rsID available, gnomAD 0.009%). This variant has not been reported in the literature in individuals affected with RET-related conditions. ClinVar contains an entry for this variant (Variation ID: 543723). An algorithm developed to predict the effect of missense changes on protein structure and function (PolyPhen-2) suggests that this variant is likely to be tolerated. In summary, the available evidence is currently insufficient to determine the role of this variant in disease. Therefore, it has been classified as a Variant of Uncertain Significance.

Ambry Genetics
Classification: Benign for Hereditary cancer-predisposing syndrome. Last evaluated: 2025-02-26. Review status: criteria provided, single submitter. Criteria: Ambry Variant Classification Scheme 2023. Collection method: clinical testing. Allele origin: germline.

GeneDx
Classification: Uncertain significance. Last evaluated: 2024-11-27. Review status: criteria provided, single submitter. Criteria: GeneDx Variant Classification Process June 2021. Collection method: clinical testing. Allele origin: germline. Affected: yes.
Comment: Not observed at significant frequency in large population cohorts (gnomAD); In silico analysis indicates that this missense variant does not alter protein structure/function; Has not been previously published as pathogenic or benign to our knowledge; This variant is associated with the following publications: (PMID: 14633923)

Quest Diagnostics Nichols Institute San Juan Capistrano
Classification: Uncertain significance. Last evaluated: 2024-10-24. Review status: criteria provided, single submitter. Criteria: Quest Diagnostics criteria. Collection method: clinical testing. Allele origin: unknown.
Comment: The RET c.1138G>A (p.Asp380Asn) variant has not been reported in individuals with RET-related conditions in the published literature. The frequency of this variant in the general population, 0.000087 (3/34584 chromosomes (Genome Aggregation Database)), is uninformative in the assessment of its pathogenicity. Analysis of this variant using bioinformatics tools for the prediction of the effect of amino acid changes on protein structure and function yielded predictions that this variant is benign. Based on the available information, we are unable to determine the clinical significance of this variant.

All of Us Research Program, National Institutes of Health
Classification: Uncertain significance for Multiple endocrine neoplasia, type 2. Last evaluated: 2024-03-05. Review status: criteria provided, single submitter. Criteria: ACMG Guidelines, 2015. Collection method: clinical testing. Allele origin: germline. Inheritance: Autosomal dominant inheritance. Observed: 1 variant allele, 1 heterozygote.
Comment: This study involves interpretation of variants in research participants for the purpose of population health screening. Participant phenotype was not available at the time of variant classification. Additional details can be found in publication PMID: 35346344, PMCID: PMC8962531

Fulgent Genetics
Classification: Uncertain significance for Hirschsprung disease, susceptibility to, 1; Familial medullary thyroid carcinoma; Multiple endocrine neoplasia type 2B; Pheochromocytoma; Multiple endocrine neoplasia type 2A. Last evaluated: 2021-09-08. Review status: criteria provided, single submitter. Criteria: ACMG Guidelines, 2015. Collection method: clinical testing. Allele origin: unknown.

NM_020975.6(RET):c.1138G>A (p.Asp380Asn)

Gene: RET (ret proto-oncogene; plus strand). Cytogenetic location: 10q11.21.
Variant type: single nucleotide variant.
Coding change: c.1138G>A on transcript NM_020975.6 (MANE Select); coding-DNA position 1138, G replaced by A.
Protein change: p.Asp380Asn; replaces aspartic acid 380 with asparagine.
Molecular consequence: missense variant.
Genome position (GRCh38, 1-based): chr10:43,109,105, G>A. VCF-style: chr10-43109105-G-A. GRCh37 (hg19) VCF-style: chr10-43604553-G-A.
Other names: c.1138G>A, p.Asp380Asn (NM_000323.2, NM_001406743.1, NM_001406744.1 and 6 more transcripts); c.376G>A, p.Asp126Asn (NM_001355216.2); c.1009G>A, p.Asp337Asn (NM_001406761.1, NM_001406762.1, NM_001406764.1 and 1 more transcripts); c.850G>A, p.Asp284Asn (NM_001406766.1, NM_001406767.1, NM_001406770.1); c.700G>A, p.Asp234Asn (NM_001406771.1, NM_001406773.1); c.412G>A, p.Asp138Asn (NM_001406775.1, NM_001406776.1, NM_001406777.1 and 1 more transcripts); c.148G>A, p.Asp50Asn (NM_001406784.1); short protein forms D380N, D126N, D138N, D284N, D234N, D337N, D50N.
Identifiers: ClinVar variation 543723 (VCV000543723.15), dbSNP rs1394361948, ClinGen allele CA376547437.